The following is an entry in ClinVar:

ClinVar aggregate classification (germline): Uncertain significance (1 of 4 stars; one submission).

Conditions:
Cardiomyopathy (CMYO). Also called: Cardiomyopathies. Identifiers: Orphanet 167848, MedGen C0878544, MONDO:0004994, HP:0001638. Inheritance: Various modes of inheritance.

gnomAD v4.1: 1 of 1,612,482 alleles (0.000062%); no homozygotes.

Submission:

All of Us Research Program, National Institutes of Health
Classification: Uncertain significance for Cardiomyopathy. Last evaluated: 2023-11-30. Review status: criteria provided, single submitter. Criteria: ACMG Guidelines, 2015. Collection method: clinical testing. Allele origin: germline. Inheritance: Autosomal dominant inheritance. Observed: 1 variant allele, 1 heterozygote.
Comment: This study involves interpretation of variants in research participants for the purpose of population health screening. Participant phenotype was not available at the time of variant classification. Additional details can be found in publication PMID: 35346344, PMCID: PMC8962531

NM_001276345.2(TNNT2):c.412G>T (p.Glu138Ter)

Gene: TNNT2 (troponin T2, cardiac type; minus strand). Cytogenetic location: 1q32.1.
Variant type: single nucleotide variant.
Coding change: c.412G>T on transcript NM_001276345.2 (MANE Select); coding-DNA position 412, G replaced by T.
Protein change: p.Glu138Ter; replaces glutamic acid 138 with a stop codon.
Molecular consequence: nonsense.
Genome position (GRCh38, 1-based): chr1:201,364,375, C>A on the plus strand (G>T on the coding strand, the complement: TNNT2 is on the minus strand). VCF-style: chr1-201364375-C-A. GRCh37 (hg19) VCF-style: chr1-201333503-C-A.
Other names: c.412G>T, p.Glu138Ter (NM_000364.4, NM_001406723.1); c.382G>T, p.Glu128Ter (NM_001001430.3, NM_001001431.3, NM_001276347.2 and 3 more transcripts); c.367G>T, p.Glu123Ter (NM_001001432.3, NM_001406728.1); c.292G>T, p.Glu98Ter (NM_001276346.2); c.379G>T, p.Glu127Ter (NM_001406725.1); short protein forms E123*, E127*, E128*, E138*, E98*.
Identifiers: ClinVar variation 3073953 (VCV003073953.1), dbSNP rs730881100, ClinGen allele CA344205998.